The following is an entry in ClinVar:

NM_001355436.2(SPTB):c.3004C>T (p.Arg1002Cys)

Gene: SPTB (spectrin beta, erythrocytic; minus strand). Cytogenetic location: 14q23.3.
Variant type: single nucleotide variant.
Coding change: c.3004C>T on transcript NM_001355436.2 (MANE Select); coding-DNA position 3004, C replaced by T.
Protein change: p.Arg1002Cys; replaces arginine 1002 with cysteine.
Molecular consequence: missense variant.
Genome position (GRCh38, 1-based): chr14:64,786,961, G>A on the plus strand (C>T on the coding strand, the complement: SPTB is on the minus strand). VCF-style: chr14-64786961-G-A. GRCh37 (hg19) VCF-style: chr14-65253679-G-A.
Other names: NM_000347.5:c.3004C>T; c.3004C>T, p.Arg1002Cys (NM_001024858.4, NM_001355437.2); short protein forms R1002C.
Identifiers: ClinVar variation 2896699 (VCV002896699.4), dbSNP rs146911028, ClinGen allele CA7230716.

ClinVar aggregate classification (germline): Uncertain significance. Review status: criteria provided, multiple submitters, no conflicts (2 of 4 stars). 2 submissions from 2 submitters: Uncertain significance (2). Last evaluated 2025-07-20.

Conditions:
Inborn genetic diseases. Identifiers: MedGen C0950123, MeSH D030342.

Allele frequency attached by ClinVar (database versions not stated): ESP Exome Variant Server 0.00015.
gnomAD v4.1: 126 of 1,613,800 alleles (0.0078%); highest among the groups gnomAD compares: African/African-American, 0.031%; no homozygotes.

Submissions (2):

Labcorp Genetics (formerly Invitae), Labcorp
Classification: Uncertain significance. Last evaluated: 2025-07-20. Review status: criteria provided, single submitter. Criteria: Invitae Variant Classification Sherloc (09022015). Collection method: clinical testing. Allele origin: germline.
Comment: This sequence change replaces arginine, which is basic and polar, with cysteine, which is neutral and slightly polar, at codon 1002 of the SPTB protein (p.Arg1002Cys). This variant is present in population databases (rs146911028, gnomAD 0.03%). This variant has not been reported in the literature in individuals affected with SPTB-related conditions. ClinVar contains an entry for this variant (Variation ID: 2896699). An algorithm developed to predict the effect of missense changes on protein structure and function (PolyPhen-2) suggests that this variant is likely to be disruptive. In summary, the available evidence is currently insufficient to determine the role of this variant in disease. Therefore, it has been classified as a Variant of Uncertain Significance.

Ambry Genetics
Classification: Uncertain significance for Inborn genetic diseases. Last evaluated: 2025-05-19. Review status: criteria provided, single submitter. Criteria: Ambry Variant Classification Scheme 2023. Collection method: clinical testing. Allele origin: germline.